The following is an entry in ClinVar:

ClinVar aggregate classification (germline): Pathogenic. Review status: criteria provided, single submitter (1 of 4 stars). 2 submissions from 2 submitters: Pathogenic (1). 1 of the submissions does not count toward it. Last evaluated 2022-02-09.

Conditions:
Alstrom syndrome (ALMS). Identifiers: Orphanet 64, MedGen C0268425, MONDO:0008763, OMIM 203800.

Submissions (2):

Labcorp Genetics (formerly Invitae), Labcorp
Classification: Pathogenic for Alstrom syndrome. Last evaluated: 2022-02-09. Review status: criteria provided, single submitter. Criteria: Invitae Variant Classification Sherloc (09022015). Collection method: clinical testing. Allele origin: germline.
Comment: This sequence change creates a premature translational stop signal (p.Ser2715Phefs*8) in the ALMS1 gene. It is expected to result in an absent or disrupted protein product. Loss-of-function variants in ALMS1 are known to be pathogenic (PMID: 17594715). This variant is not present in population databases (gnomAD no frequency). This variant has not been reported in the literature in individuals affected with ALMS1-related conditions. ClinVar contains an entry for this variant (Variation ID: 552097). For these reasons, this variant has been classified as Pathogenic.

Counsyl
Classification: Likely pathogenic for Alstrom syndrome. Last evaluated: 2017-05-23. Review status: no assertion criteria provided. Collection method: clinical testing. Allele origin: unknown. Not counted in ClinVar's aggregate classification.

Literature cited by the submitters: PubMed 17594715 (cited by Labcorp Genetics (formerly Invitae), Labcorp).

NM_001378454.1(ALMS1):c.8141_8148del (p.Ser2714fs)

Gene: ALMS1 (ALMS1 centrosome and basal body associated protein; plus strand). Cytogenetic location: 2p13.1.
Variant type: Deletion.
Coding change: c.8141_8148del on transcript NM_001378454.1 (MANE Select); coding-DNA positions 8141 to 8148, 8 bases deleted (CCATCACT; older notation c.8141_8148delCCATCACT).
Protein change: p.Ser2714fs; shifts the reading frame from serine 2714.
Molecular consequence: frameshift variant.
Genome position (GRCh38, 1-based): chr2:73,490,100-73,490,107, CCATCACT deleted; deleting any 8 consecutive bases within chr2:73,490,098-73,490,107 gives the same sequence; the c. name uses the placement nearest the transcript's 3' end. VCF-style (leftmost placement, unchanged base first): chr2-73490097-CCTCCATCA-C. GRCh37 (hg19) VCF-style: chr2-73717224-CCTCCATCA-C.
Other names: c.8144_8151del, p.Ser2715fs (NM_015120.4); c.8144_8151del8 (NM_015120.4); short protein forms S2715fs, S2714fs.
Identifiers: ClinVar variation 552097 (VCV000552097.9), dbSNP rs1553409686, ClinGen allele CA658821975.